The following is an entry in ClinVar:

ClinVar aggregate classification (germline): Uncertain significance (1 of 4 stars; one submission).

gnomAD v4.1: 1 of 1,614,200 alleles (0.000062%); highest among the groups gnomAD compares: Non-Finnish European, 0.000085%; no homozygotes.

Submission:

GeneDx
Classification: Uncertain significance. Last evaluated: 2024-01-29. Review status: criteria provided, single submitter. Criteria: GeneDx Variant Classification Process June 2021. Collection method: clinical testing. Allele origin: germline. Affected: yes.
Comment: Not observed at significant frequency in large population cohorts (gnomAD); In silico analysis supports that this missense variant has a deleterious effect on protein structure/function; Has not been previously published as pathogenic or benign to our knowledge

NM_001079843.3(CASZ1):c.1589G>A (p.Ser530Asn)

Gene: CASZ1 (castor zinc finger 1; minus strand). Cytogenetic location: 1p36.22.
Variant type: single nucleotide variant.
Coding change: c.1589G>A on transcript NM_001079843.3 (MANE Select); coding-DNA position 1589, G replaced by A.
Protein change: p.Ser530Asn; replaces serine 530 with asparagine.
Molecular consequence: missense variant.
Genome position (GRCh38, 1-based): chr1:10,655,725, C>T on the plus strand (G>A on the coding strand, the complement: CASZ1 is on the minus strand). VCF-style: chr1-10655725-C-T. GRCh37 (hg19) VCF-style: chr1-10715782-C-T.
Other names: c.1589G>A, p.Ser530Asn (NM_017766.5); short protein forms S530N.
Identifiers: ClinVar variation 3368076 (VCV003368076.1).
Genomic context (GRCh38, chr1:10,655,725, plus strand): 5'-TGGGTGCTCTTCCCATTGAGGTGGCAGCCGTGGTAGTAGACGCTGCAGTCGTCCAGCGGG[C>T]TGAAACGCATGAAGCCGTGCTGCAGGGAGTTGTCGCGCTTCTTGTGCATGTTGTAGTGGC-3'
Protein context (NP_001073312.1, residues 520-540): NSLQHGFMRF[Ser530Asn]PLDDCSVYYH